The following is an entry in ClinVar:

NM_015512.5(DNAH1):c.4074G>A (p.Glu1358=)

Gene: DNAH1 (dynein axonemal heavy chain 1; plus strand). Cytogenetic location: 3p21.1.
Variant type: single nucleotide variant.
Coding change: c.4074G>A on transcript NM_015512.5 (MANE Select); coding-DNA position 4074, G replaced by A.
Protein change: p.Glu1358=; no amino-acid change (glutamic acid 1358 retained).
Molecular consequence: synonymous variant.
Genome position (GRCh38, 1-based): chr3:52,357,991, G>A. VCF-style: chr3-52357991-G-A. GRCh37 (hg19) VCF-style: chr3-52392007-G-A.
Identifiers: ClinVar variation 3035514 (VCV003035514.2), dbSNP rs2471200464, ClinGen allele CA433883775.

ClinVar aggregate classification (germline): Likely benign (0 of 4 stars; one submission).

Conditions:
DNAH1-related disorder. Also called: DNAH1-related condition.

Submission:

PreventionGenetics, part of Exact Sciences
Classification: Likely benign for DNAH1-related condition. Last evaluated: 2019-08-09. Review status: no assertion criteria provided. Collection method: clinical testing. Allele origin: germline.
Comment: This variant is classified as likely benign based on ACMG/AMP sequence variant interpretation guidelines (Richards et al. 2015 PMID: 25741868, with internal and published modifications).